The following is an entry in ClinVar:

NM_006059.4(LAMC3):c.976_977insTCACGAGTGTCTGC (p.Pro326fs)

Gene: LAMC3 (laminin subunit gamma 3; plus strand). Cytogenetic location: 9q34.12.
Variant type: Insertion.
Coding change: c.976_977insTCACGAGTGTCTGC on transcript NM_006059.4 (MANE Select); coding-DNA positions 976 to 977, TCACGAGTGTCTGC inserted.
Protein change: p.Pro326fs; shifts the reading frame from proline 326.
Molecular consequence: frameshift variant.
Genome position: GRCh38 VCF-style: chr9-131036319-C-CCACGAGTGTCTGCT. GRCh37 (hg19) VCF-style: chr9-133911706-C-CCACGAGTGTCTGCT.
Other names: short protein forms P326fs.
Identifiers: ClinVar variation 2750221 (VCV002750221.3), dbSNP rs2490707870, ClinGen allele CA2697558187.
Genomic context (GRCh38, chr9:131,036,319, plus strand): 5'-TGAGCGCTGCCTGCCCTTCTTCCAGGACCGCCCGTGGGCCCGGGGCACCGCCGAGGCTGC[C>CCACGAGTGTCTGCT]CACGAGTGTCTGCGTGAGTGTCTGAGTGTCACAGGGCATCAGGGACCCGAGGCTGGTGTT-3'

ClinVar aggregate classification (germline): Pathogenic (1 of 4 stars; one submission).

Submission:

Labcorp Genetics (formerly Invitae), Labcorp
Classification: Pathogenic. Last evaluated: 2025-10-26. Review status: criteria provided, single submitter. Criteria: Invitae Variant Classification Sherloc (09022015). Collection method: clinical testing. Allele origin: germline.
Comment: This sequence change creates a premature translational stop signal (p.Pro326Leufs*87) in the LAMC3 gene. It is expected to result in an absent or disrupted protein product. Loss-of-function variants in LAMC3 are known to be pathogenic (PMID: 21572413, 26802095). This variant is not present in population databases (gnomAD no frequency). This variant has not been reported in the literature in individuals affected with LAMC3-related conditions. ClinVar contains an entry for this variant (Variation ID: 2750221). For these reasons, this variant has been classified as Pathogenic.

Literature cited by the submitters: PubMed 21572413; PubMed 26802095.